The following is an entry in ClinVar:

ClinVar aggregate classification (germline): Likely pathogenic (1 of 4 stars; one submission).

Conditions:
Multiple acyl-CoA dehydrogenase deficiency (MADD). Also called: Glutaric aciduria, type 2; Glutaric acidemia type II; GA 2; ETHYLMALONIC-ADIPICACIDURIA; GA II; Glutaric Acidemia type 2. Identifiers: Orphanet 26791, MedGen C0268596, MONDO:0009282, OMIM 231680.

Submission:

Labcorp Genetics (formerly Invitae), Labcorp
Classification: Likely pathogenic for Multiple acyl-CoA dehydrogenase deficiency. Last evaluated: 2023-12-04. Review status: criteria provided, single submitter. Criteria: Invitae Variant Classification Sherloc (09022015). Collection method: clinical testing. Allele origin: germline.
Comment: This variant results in the deletion of part of exon 9 (c.734-1_744del) of the ETFA gene. It is expected to disrupt RNA splicing. Variants that disrupt the donor or acceptor splice site typically lead to a loss of protein function (PMID: 16199547), and loss-of-function variants in ETFA are known to be pathogenic (PMID: 16510302, 23785301). This variant is not present in population databases (gnomAD no frequency). This variant has not been reported in the literature in individuals affected with ETFA-related conditions. In summary, the currently available evidence indicates that the variant is pathogenic, but additional data are needed to prove that conclusively. Therefore, this variant has been classified as Likely Pathogenic.

Literature cited by the submitters: PubMed 16199547; PubMed 16510302; PubMed 23785301.

NM_000126.4(ETFA):c.734-1_744del

Gene: ETFA (electron transfer flavoprotein subunit alpha; minus strand). Cytogenetic location: 15q24.2.
Variant type: Deletion.
Coding change: c.734-1_744del on transcript NM_000126.4 (MANE Select); the canonical splice acceptor site of the intron before coding-DNA position 734 through coding-DNA position 744, 12 bases deleted (GTTGGTGCTTCC).
Molecular consequence: splice acceptor variant.
Genome position (GRCh38, 1-based): chr15:76,274,484-76,274,495, GGAAGCACCAAC deleted on the plus strand (GTTGGTGCTTCC on the coding strand, the reverse complement: ETFA is on the minus strand). VCF-style (leftmost placement, unchanged base first): chr15-76274483-GGGAAGCACCAAC-G. GRCh37 (hg19) VCF-style: chr15-76566824-GGGAAGCACCAAC-G.
Other names: c.587-1_597del (NM_001127716.2).
Identifiers: ClinVar variation 2700789 (VCV002700789.3), dbSNP rs2543011277, ClinGen allele CA2697549261.